The following is an entry in ClinVar:

NM_001105206.3(LAMA4):c.4616A>T (p.Lys1539Ile)

Gene: LAMA4 (laminin subunit alpha 4; minus strand). Cytogenetic location: 6q21.
Variant type: single nucleotide variant.
Coding change: c.4616A>T on transcript NM_001105206.3 (MANE Select); coding-DNA position 4616, A replaced by T.
Protein change: p.Lys1539Ile; replaces lysine 1539 with isoleucine.
Molecular consequence: missense variant.
Genome position (GRCh38, 1-based): chr6:112,120,332, T>A on the plus strand (A>T on the coding strand, the complement: LAMA4 is on the minus strand). VCF-style: chr6-112120332-T-A. GRCh37 (hg19) VCF-style: chr6-112441535-T-A.
Other names: c.4595A>T, p.Lys1532Ile (NM_001105207.3, NM_002290.5); c.4595A>T (NM_002290.3); short protein forms K1532I, K1539I.
Identifiers: ClinVar variation 1489125 (VCV001489125.8), dbSNP rs782423587, ClinGen allele CA3964949.

ClinVar aggregate classification (germline): Uncertain significance. Review status: criteria provided, multiple submitters, no conflicts (2 of 4 stars). 2 submissions from 2 submitters: Uncertain significance (2). Last evaluated 2026-04-16.

Conditions:
Cardiovascular phenotype. Identifiers: MedGen CN230736.
Dilated cardiomyopathy 1JJ (CMD1JJ). Identifiers: Orphanet 154, MedGen C3808935, MONDO:0014095, OMIM 615235.

Allele frequency attached by ClinVar (database versions not stated): ExAC 0.00002; gnomAD 0.00001; gnomAD exomes 0.00002; TOPMed below 0.00001.
gnomAD v4.1: 9 of 1,613,916 alleles (0.00056%); highest among the groups gnomAD compares: Non-Finnish European, 0.00068%; no homozygotes.

Submissions (2):

Ambry Genetics
Classification: Uncertain significance for Cardiovascular phenotype. Last evaluated: 2026-04-16. Review status: criteria provided, single submitter. Criteria: Ambry Variant Classification Scheme 2023. Collection method: clinical testing. Allele origin: germline.
Comment: The p.K1532I variant (also known as c.4595A>T), located in coding exon 32 of the LAMA4 gene, results from an A to T substitution at nucleotide position 4595. The lysine at codon 1532 is replaced by isoleucine, an amino acid with dissimilar properties. This amino acid position is conserved. In addition, this alteration is predicted to be tolerated by in silico analysis. Based on the available evidence, the clinical significance of this variant remains unclear.

Labcorp Genetics (formerly Invitae), Labcorp
Classification: Uncertain significance for Dilated cardiomyopathy 1JJ. Last evaluated: 2025-10-15. Review status: criteria provided, single submitter. Criteria: Invitae Variant Classification Sherloc (09022015). Collection method: clinical testing. Allele origin: germline.
Comment: This sequence change replaces lysine, which is basic and polar, with isoleucine, which is neutral and non-polar, at codon 1532 of the LAMA4 protein (p.Lys1532Ile). This variant is present in population databases (rs782423587, gnomAD 0.01%). This variant has not been reported in the literature in individuals affected with LAMA4-related conditions. ClinVar contains an entry for this variant (Variation ID: 1489125). Invitae Evidence Modeling of protein sequence and biophysical properties (such as structural, functional, and spatial information, amino acid conservation, physicochemical variation, residue mobility, and thermodynamic stability) has been performed for this missense variant. However, the output from this modeling did not meet the statistical confidence thresholds required to predict the impact of this variant on LAMA4 protein function. In summary, the available evidence is currently insufficient to determine the role of this variant in disease. Therefore, it has been classified as a Variant of Uncertain Significance.